The following is an entry in ClinVar:

NM_000277.3(PAH):c.190del (p.His64fs)

Gene: PAH (phenylalanine hydroxylase; minus strand). Cytogenetic location: 12q23.2.
Variant type: Deletion.
Coding change: c.190del on transcript NM_000277.3 (MANE Select); coding-DNA position 190, one base deleted (C; older notation c.190delC).
Protein change: p.His64fs; shifts the reading frame from histidine 64.
Molecular consequence: frameshift variant.
Genome position (GRCh38, 1-based): chr12:102,894,897, G deleted on the plus strand (C on the coding strand, the reverse complement: PAH is on the minus strand); the first of 3 consecutive G bases (chr12:102,894,897-102,894,899); deleting any one gives the same sequence. VCF-style (leftmost placement, unchanged base first): chr12-102894896-TG-T. GRCh37 (hg19) VCF-style: chr12-103288674-TG-T.
Other names: c.190del, p.His64fs (NM_001354304.2); short protein forms H64fs.
Identifiers: ClinVar variation 102621 (VCV000102621.2), dbSNP rs672601294, ClinGen allele CA229477.

ClinVar aggregate classification (germline): Pathogenic. Review status: reviewed by expert panel (3 of 4 stars). 2 submissions from 2 submitters: Pathogenic (1). 1 of the submissions does not count toward it. Last evaluated 2020-10-30.

Conditions:
Phenylketonuria (PKU). Also called: Phenylketonuria (PKU); FOLLING DISEASE; OLIGOPHRENIA PHENYLPYRUVICA; Phenylketonurias. Identifiers: Orphanet 716, MedGen C0031485, MONDO:0009861, OMIM 261600. Disease mechanism: loss of function.

Submissions (2):

ClinGen PAH Variant Curation Expert Panel
Classification: Pathogenic for Phenylketonuria. Last evaluated: 2020-10-30. Review status: reviewed by expert panel. Criteria: ClinGen PAH ACMG Specifications v1. Collection method: curation. Allele origin: germline. Inheritance: Autosomal recessive inheritance.
Comment: The frameshift variant c.190del generates a stop codon at residue 72 in exon 3 of 13 and is predicted to undergo NMD. The variant is absent from population databases, including gnomAD. It has been reported heterozygous in at least one PKU patient (PMID: 23271928). In summary, this variant meets criteria to be classified as Pathogenic for PAH. PAH-specific ACMG/AMP criteria applied: PVS1, PM2, PP4_moderate.

DeBelle Laboratory for Biochemical Genetics, MUHC/MCH RESEARCH INSTITUTE
No classification provided. Review status: no classification provided. Collection method: not provided. Allele origin: not provided. Not counted in ClinVar's aggregate classification.

Literature cited by the submitters: PubMed 23271928 (cited by ClinGen PAH Variant Curation Expert Panel).